The following is an entry in ClinVar:

NM_024598.4(USB1):c.518T>G (p.Leu173Arg)

Gene: USB1 (U6 snRNA biogenesis phosphodiesterase 1; plus strand). Cytogenetic location: 16q21.
Variant type: single nucleotide variant.
Coding change: c.518T>G on transcript NM_024598.4 (MANE Select); coding-DNA position 518, T replaced by G.
Protein change: p.Leu173Arg; replaces leucine 173 with arginine.
Molecular consequence: missense variant.
Genome position (GRCh38, 1-based): chr16:58,017,348, T>G. VCF-style: chr16-58017348-T-G. GRCh37 (hg19) VCF-style: chr16-58051252-T-G.
Other names: c.464T>G, p.Leu155Arg (NM_001195302.2); c.365T>G, p.Leu122Arg (NM_001330568.2); short protein forms L173R, L122R, L155R.
Identifiers: ClinVar variation 496759 (VCV000496759.6), dbSNP rs1555498563, ClinGen allele CA396129878.

ClinVar aggregate classification (germline): Conflicting classifications of pathogenicity. Review status: criteria provided, conflicting classifications (1 of 4 stars). 3 submissions from 3 submitters: Likely pathogenic (1); Uncertain significance (1). 1 of the submissions does not count toward it. Last evaluated 2023-10-13.

Conditions:
Poikiloderma with neutropenia (PN). Identifiers: Orphanet 221046, MedGen C1858723, MONDO:0011405, OMIM 604173.

Allele frequency attached by ClinVar (database versions not stated): gnomAD exomes below 0.00001.
gnomAD v4.1: 1 of 1,614,188 alleles (0.000062%); highest among the groups gnomAD compares: Non-Finnish European, 0.000085%; no homozygotes.

Submissions (3):

Labcorp Genetics (formerly Invitae), Labcorp
Classification: Uncertain significance. Last evaluated: 2023-10-13. Review status: criteria provided, single submitter. Criteria: Invitae Variant Classification Sherloc (09022015). Collection method: clinical testing. Allele origin: germline.
Comment: This sequence change replaces leucine, which is neutral and non-polar, with arginine, which is basic and polar, at codon 173 of the USB1 protein (p.Leu173Arg). This variant is not present in population databases (gnomAD no frequency). This missense change has been observed in individual(s) with poikiloderma with neutropenia (PMID: 28353165). ClinVar contains an entry for this variant (Variation ID: 496759). Advanced modeling of protein sequence and biophysical properties (such as structural, functional, and spatial information, amino acid conservation, physicochemical variation, residue mobility, and thermodynamic stability) performed at Invitae indicates that this missense variant is expected to disrupt USB1 protein function. In summary, the available evidence is currently insufficient to determine the role of this variant in disease. Therefore, it has been classified as a Variant of Uncertain Significance.

Institute for Clinical Genetics, University Hospital TU Dresden, University Hospital TU Dresden
Classification: Likely pathogenic. Last evaluated: 2022-07-28. Review status: criteria provided, single submitter. Criteria: ACMG Guidelines, 2015. Collection method: clinical testing. Allele origin: germline.
Comment: PS4, PP3, PM2_SUP

GeneReviews
No classification provided. Condition: Poikiloderma with neutropenia. Review status: no classification provided. Collection method: literature only. Allele origin: germline. Not counted in ClinVar's aggregate classification.

Literature cited by the submitters: PubMed 28353165 (cited by Labcorp Genetics (formerly Invitae), Labcorp); NCBI Bookshelf NBK459118 (cited by GeneReviews); PubMed 29072891 (cited by GeneReviews).